The following is an entry in ClinVar:

ClinVar aggregate classification (germline): Uncertain significance (1 of 4 stars; one submission).

Allele frequency attached by ClinVar (database versions not stated): gnomAD exomes below 0.00001; gnomAD 0.00001.
gnomAD v4.1: 5 of 1,613,356 alleles (0.00031%); highest among the groups gnomAD compares: South Asian, 0.0022%; no homozygotes.

Submission:

Labcorp Genetics (formerly Invitae), Labcorp
Classification: Uncertain significance. Last evaluated: 2023-02-08. Review status: criteria provided, single submitter. Criteria: Invitae Variant Classification Sherloc (09022015). Collection method: clinical testing. Allele origin: germline.
Comment: In summary, the available evidence is currently insufficient to determine the role of this variant in disease. Therefore, it has been classified as a Variant of Uncertain Significance. Algorithms developed to predict the effect of missense changes on protein structure and function (SIFT, PolyPhen-2, Align-GVGD) all suggest that this variant is likely to be tolerated. This variant has not been reported in the literature in individuals affected with ZNF687-related conditions. This variant is present in population databases (no rsID available, gnomAD 0.003%). This sequence change replaces valine, which is neutral and non-polar, with isoleucine, which is neutral and non-polar, at codon 758 of the ZNF687 protein (p.Val758Ile).

NM_020832.3(ZNF687):c.2272G>A (p.Val758Ile)

Gene: ZNF687 (zinc finger protein 687; plus strand). Cytogenetic location: 1q21.3.
Variant type: single nucleotide variant.
Coding change: c.2272G>A on transcript NM_020832.3 (MANE Select); coding-DNA position 2272, G replaced by A.
Protein change: p.Val758Ile; replaces valine 758 with isoleucine.
Molecular consequence: missense variant.
Genome position (GRCh38, 1-based): chr1:151,288,684, G>A. VCF-style: chr1-151288684-G-A. GRCh37 (hg19) VCF-style: chr1-151261160-G-A.
Other names: c.2272G>A, p.Val758Ile (NM_001304763.2, NM_001304764.2); short protein forms V758I.
Identifiers: ClinVar variation 2170042 (VCV002170042.4), dbSNP rs1026383233, ClinGen allele CA29519861.